The following is an entry in ClinVar:

ClinVar aggregate classification (germline): Benign/Likely benign. Review status: criteria provided, multiple submitters, no conflicts (2 of 4 stars). 4 submissions from 4 submitters: Benign (1); Likely benign (3). Last evaluated 2025-12-08.

Conditions:
Inborn genetic diseases. Identifiers: MedGen C0950123, MeSH D030342.
Koolen-de Vries syndrome (KDVS). Identifiers: Orphanet 96169, MedGen C1864871, MONDO:0012496, OMIM 610443.

Allele frequency attached by ClinVar (database versions not stated): gnomAD 0.00006; TOPMed 0.00018; gnomAD exomes 0.00024; ExAC 0.00029; ESP Exome Variant Server 0.00046.
gnomAD v4.1: 445 of 1,614,038 alleles (0.028%); highest among the groups gnomAD compares: Non-Finnish European, 0.036%; no homozygotes.

Submissions (4):

Labcorp Genetics (formerly Invitae), Labcorp
Classification: Benign for Koolen-de Vries syndrome. Last evaluated: 2025-12-08. Review status: criteria provided, single submitter. Criteria: Invitae Variant Classification Sherloc (09022015). Collection method: clinical testing. Allele origin: germline.

Fulgent Genetics
Classification: Likely benign for Koolen-de Vries syndrome. Last evaluated: 2022-04-28. Review status: criteria provided, single submitter. Criteria: ACMG Guidelines, 2015. Collection method: clinical testing. Allele origin: unknown.

Ambry Genetics
Classification: Likely benign for Inborn genetic diseases. Last evaluated: 2022-03-29. Review status: criteria provided, single submitter. Criteria: Ambry Variant Classification Scheme 2023. Collection method: clinical testing. Allele origin: germline.

GeneDx
Classification: Likely benign. Last evaluated: 2018-02-22. Review status: criteria provided, single submitter. Criteria: GeneDx Variant Classification (06012015). Collection method: clinical testing. Allele origin: germline. Affected: yes.
Comment: This variant is considered likely benign or benign based on one or more of the following criteria: it is a conservative change, it occurs at a poorly conserved position in the protein, it is predicted to be benign by multiple in silico algorithms, and/or has population frequency not consistent with disease.

NM_015443.4(KANSL1):c.3053C>T (p.Thr1018Ile)

Gene: KANSL1 (KAT8 regulatory NSL complex subunit 1). Cytogenetic location: 17q21.31.
Variant type: single nucleotide variant.
Coding change: c.3053C>T on transcript NM_015443.4 (MANE Select); coding-DNA position 3053, C replaced by T.
Protein change: p.Thr1018Ile; replaces threonine 1018 with isoleucine.
Molecular consequence: missense variant.
Genome position (GRCh38, 1-based): chr17:46,032,084, G>A on the plus strand (C>T on the coding strand, the complement: KANSL1 is on the minus strand). VCF-style: chr17-46032084-G-A. GRCh37 (hg19) VCF-style: chr17-44109450-G-A.
Other names: c.3050C>T, p.Thr1017Ile (NM_001193465.2); c.3053C>T, p.Thr1018Ile (NM_001193466.2, NM_001379198.1); short protein forms T1018I, T1017I.
Identifiers: ClinVar variation 392273 (VCV000392273.13), dbSNP rs145863194, ClinGen allele CA8618394.